The following is an entry in ClinVar:

NM_001845.6(COL4A1):c.1897+7C>G

Gene: COL4A1 (collagen type IV alpha 1 chain; minus strand). Cytogenetic location: 13q34.
Variant type: single nucleotide variant.
Coding change: c.1897+7C>G on transcript NM_001845.6 (MANE Select); 7 bases into the intron after coding-DNA position 1897, C replaced by G.
Molecular consequence: intron variant.
Genome position (GRCh38, 1-based): chr13:110,186,378, G>C on the plus strand (C>G on the coding strand, the complement: COL4A1 is on the minus strand). VCF-style: chr13-110186378-G-C. GRCh37 (hg19) VCF-style: chr13-110838725-G-C.
Other names: c.1897+7C>G (NM_001845.5).
Identifiers: ClinVar variation 195951 (VCV000195951.11), dbSNP rs773791331, ClinGen allele CA242671.

ClinVar aggregate classification (germline): Conflicting classifications of pathogenicity. Review status: criteria provided, conflicting classifications (1 of 4 stars). 4 submissions from 4 submitters: Uncertain significance (2); Likely benign (2). Last evaluated 2026-08-10.

Conditions:
COL4A1-related disorder. Also called: COL4A1-related disorders; COL4A1-related condition. Identifiers: MedGen CN376119, MONDO:0800461.
Proteinuria. Identifiers: MedGen C0033687, MONDO:0003634, HP:0000093.

Allele frequency attached by ClinVar (database versions not stated): gnomAD exomes 0.00006 and 0.00002; ExAC 0.00001; TOPMed 0.00001; gnomAD 0.00002.

Submissions (4):

PreventionGenetics, part of Exact Sciences
Classification: Likely benign for COL4A1-related condition. Last evaluated: 2026-08-10. Review status: criteria provided, single submitter. Criteria: ACMG Guidelines, 2015. Collection method: clinical testing. Allele origin: germline.
Comment: This variant is classified as likely benign based on ACMG/AMP sequence variant interpretation guidelines (Richards et al. 2015 PMID: 25741868, with internal and published modifications).

Labcorp Genetics (formerly Invitae), Labcorp
Classification: Likely benign. Last evaluated: 2025-08-11. Review status: criteria provided, single submitter. Criteria: Invitae Variant Classification Sherloc (09022015). Collection method: clinical testing. Allele origin: germline.

Cambridge Genomics Laboratory, East Genomic Laboratory Hub, NHS Genomic Medicine Service
Classification: Uncertain significance for Proteinuria. Last evaluated: 2019-04-17. Review status: criteria provided, single submitter. Criteria: ACGS Best Practice Guidelines for Variant Classification in Rare Disease 2020. Collection method: clinical testing. Allele origin: germline. Affected: yes. Observed: 1 variant allele.

Eurofins Ntd Llc (ga)
Classification: Uncertain significance. Last evaluated: 2014-10-21. Review status: criteria provided, single submitter. Criteria: EGL Classification Definitions 2015. Collection method: clinical testing. Allele origin: germline. Observed: 1 variant allele, 1 heterozygote.